The following is an entry in ClinVar:

ClinVar aggregate classification (germline): Uncertain significance (1 of 4 stars; one submission).

gnomAD v4.1: 12 of 1,207,893 alleles (0.00099%); highest among the groups gnomAD compares: East Asian, 0.003%; no homozygotes.

Submission:

Labcorp Genetics (formerly Invitae), Labcorp
Classification: Uncertain significance. Last evaluated: 2025-11-27. Review status: criteria provided, single submitter. Criteria: Invitae Variant Classification Sherloc (09022015). Collection method: clinical testing. Allele origin: germline.
Comment: This sequence change replaces arginine, which is basic and polar, with glutamine, which is neutral and polar, at codon 402 of the CACNA1F protein (p.Arg402Gln). This variant is present in population databases (rs782711560, gnomAD 0.004%). This variant has not been reported in the literature in individuals affected with CACNA1F-related conditions. Invitae Evidence Modeling of protein sequence and biophysical properties (such as structural, functional, and spatial information, amino acid conservation, physicochemical variation, residue mobility, and thermodynamic stability) indicates that this missense variant is not expected to disrupt CACNA1F protein function with a negative predictive value of 80%. In summary, the available evidence is currently insufficient to determine the role of this variant in disease. Therefore, it has been classified as a Variant of Uncertain Significance.

NM_001256789.3(CACNA1F):c.1205G>A (p.Arg402Gln)

Gene: CACNA1F (calcium voltage-gated channel subunit alpha1 F; minus strand). Cytogenetic location: Xp11.23.
Variant type: single nucleotide variant.
Coding change: c.1205G>A on transcript NM_001256789.3 (MANE Select); coding-DNA position 1205, G replaced by A.
Protein change: p.Arg402Gln; replaces arginine 402 with glutamine.
Molecular consequence: missense variant.
Genome position (GRCh38, 1-based): chrX:49,227,041, C>T on the plus strand (G>A on the coding strand, the complement: CACNA1F is on the minus strand). VCF-style: chrX-49227041-C-T. GRCh37 (hg19) VCF-style: chrX-49083503-C-T.
Other names: c.1010G>A, p.Arg337Gln (NM_001256790.3); c.1205G>A, p.Arg402Gln (NM_005183.4); short protein forms R402Q, R337Q.
Identifiers: ClinVar variation 4709440 (VCV004709440.1).